The following is an entry in ClinVar:

NM_001037.5(SCN1B):c.20del (p.Ala6_Leu7insTer)

Gene: SCN1B (sodium voltage-gated channel beta subunit 1; plus strand). Cytogenetic location: 19q13.11.
Variant type: Deletion.
Coding change: c.20del on transcript NM_001037.5 (MANE Select); coding-DNA position 20, one base deleted (T; older notation c.20delT).
Protein change: p.Ala6_Leu7insTer.
Molecular consequence: nonsense.
Genome position (GRCh38, 1-based): chr19:35,030,840, T deleted; the last of 2 consecutive T bases (chr19:35,030,839-35,030,840); deleting either gives the same sequence. VCF-style (leftmost placement, unchanged base first): chr19-35030838-CT-C. GRCh37 (hg19) VCF-style: chr19-35521742-CT-C.
Other names: c.20del, p.Ala6_Leu7insTer (NM_199037.5).
Identifiers: ClinVar variation 3644786 (VCV003644786.2).
Genomic context (GRCh38, chr19:35,030,838, plus strand): 5'-TACCGGCGGCCCGGGAGGGGGGCGCAGCACGCGCCGCGCAGCCATGGGGAGGCTGCTGGC[CT>C]TAGTGGTCGGCGCGGCACTGGGTGAGTGCGCGGGGGGCGCGCGCGGCCGGGGGGCACCGC-3'

ClinVar aggregate classification (germline): Pathogenic (1 of 4 stars; one submission).

Conditions:
Brugada syndrome 5 (BRGDA5). Identifiers: Orphanet 130, Orphanet 871, MedGen C2748541, MONDO:0013015, OMIM 612838.

Submission:

Labcorp Genetics (formerly Invitae), Labcorp
Classification: Pathogenic for Brugada syndrome 5. Last evaluated: 2024-03-06. Review status: criteria provided, single submitter. Criteria: Invitae Variant Classification Sherloc (09022015). Collection method: clinical testing. Allele origin: germline.
Comment: This sequence change creates a premature translational stop signal (p.Leu7*) in the SCN1B gene. It is expected to result in an absent or disrupted protein product. Loss-of-function variants in SCN1B are known to be pathogenic (PMID: 17629415, 30660056). This variant is not present in population databases (gnomAD no frequency). This variant has not been reported in the literature in individuals affected with SCN1B-related conditions. For these reasons, this variant has been classified as Pathogenic.

Literature cited by the submitters: PubMed 17629415; PubMed 30660056.